The following is an entry in ClinVar:

NM_001457.4(FLNB):c.2296A>T (p.Thr766Ser)

Gene: FLNB (filamin B; plus strand). Cytogenetic location: 3p14.3.
Variant type: single nucleotide variant.
Coding change: c.2296A>T on transcript NM_001457.4 (MANE Select); coding-DNA position 2296, A replaced by T.
Protein change: p.Thr766Ser; replaces threonine 766 with serine.
Molecular consequence: missense variant.
Genome position (GRCh38, 1-based): chr3:58,109,672, A>T. VCF-style: chr3-58109672-A-T. GRCh37 (hg19) VCF-style: chr3-58095399-A-T.
Other names: c.2296A>T, p.Thr766Ser (NM_001164317.2, NM_001164318.2, NM_001164319.2); short protein forms T766S.
Identifiers: ClinVar variation 2110856 (VCV002110856.4), dbSNP rs2471085401, ClinGen allele CA353343637.

ClinVar aggregate classification (germline): Uncertain significance (1 of 4 stars; one submission).

Submission:

Labcorp Genetics (formerly Invitae), Labcorp
Classification: Uncertain significance. Last evaluated: 2022-03-13. Review status: criteria provided, single submitter. Criteria: Invitae Variant Classification Sherloc (09022015). Collection method: clinical testing. Allele origin: germline.
Comment: In summary, the available evidence is currently insufficient to determine the role of this variant in disease. Therefore, it has been classified as a Variant of Uncertain Significance. Algorithms developed to predict the effect of missense changes on protein structure and function are either unavailable or do not agree on the potential impact of this missense change (SIFT: "Deleterious"; PolyPhen-2: "Benign"; Align-GVGD: "Class C55"). This variant has not been reported in the literature in individuals affected with FLNB-related conditions. This variant is not present in population databases (gnomAD no frequency). This sequence change replaces threonine, which is neutral and polar, with serine, which is neutral and polar, at codon 766 of the FLNB protein (p.Thr766Ser).